The following is an entry in ClinVar:

NM_001329943.3(KIAA0586):c.4496G>T (p.Gly1499Val)

Gene: KIAA0586 (KIAA0586; plus strand). Cytogenetic location: 14q23.1.
Variant type: single nucleotide variant.
Coding change: c.4496G>T on transcript NM_001329943.3 (MANE Select); coding-DNA position 4496, G replaced by T.
Protein change: p.Gly1499Val; replaces glycine 1499 with valine.
Molecular consequence: missense variant.
Genome position (GRCh38, 1-based): chr14:58,547,781, G>T. VCF-style: chr14-58547781-G-T. GRCh37 (hg19) VCF-style: chr14-59014499-G-T.
Other names: c.4740G>T, p.Arg1580Ser (NM_001244189.2); c.4451G>T, p.Gly1484Val (NM_001244190.2); c.4241G>T, p.Gly1414Val (NM_001244191.2, NM_001364701.2); c.4364G>T, p.Gly1455Val (NM_001244192.2, NM_001329947.2); c.4581G>T, p.Arg1527Ser (NM_001329944.2); c.4175G>T, p.Gly1392Val (NM_001329945.2); c.4430G>T, p.Gly1477Val (NM_001329946.2); c.4268G>T, p.Gly1423Val (NM_014749.5); short protein forms G1392V, G1414V, G1423V, G1477V, G1499V, R1527S, R1580S, G1455V.
Identifiers: ClinVar variation 2134463 (VCV002134463.4), dbSNP rs769894889, ClinGen allele CA7206435.

ClinVar aggregate classification (germline): Uncertain significance (1 of 4 stars; one submission).

Conditions:
Joubert syndrome 23 (JBTS23). Identifiers: Orphanet 475, MedGen C4084822, MONDO:0014664, OMIM 616490.
Short-rib thoracic dysplasia 14 with polydactyly (SRTD14). Identifiers: Orphanet 397715, MedGen C4225286, MONDO:0014688, OMIM 616546.

Allele frequency attached by ClinVar (database versions not stated): ExAC 0.00001; gnomAD exomes 0.00001.
gnomAD v4.1: 3 of 1,613,206 alleles (0.00019%); highest among the groups gnomAD compares: African/African-American, 0.004%; no homozygotes.

Submission:

Labcorp Genetics (formerly Invitae), Labcorp
Classification: Uncertain significance for Joubert syndrome 23; Short-rib thoracic dysplasia 14 with polydactyly. Last evaluated: 2022-05-05. Review status: criteria provided, single submitter. Criteria: Invitae Variant Classification Sherloc (09022015). Collection method: clinical testing. Allele origin: germline.
Comment: This sequence change replaces arginine, which is basic and polar, with serine, which is neutral and polar, at codon 1580 of the KIAA0586 protein (p.Arg1580Ser). This variant is present in population databases (rs769894889, gnomAD 0.01%). In summary, the available evidence is currently insufficient to determine the role of this variant in disease. Therefore, it has been classified as a Variant of Uncertain Significance. Algorithms developed to predict the effect of sequence changes on RNA splicing suggest that this variant may create or strengthen a splice site. Algorithms developed to predict the effect of missense changes on protein structure and function (SIFT, PolyPhen-2, Align-GVGD) all suggest that this variant is likely to be tolerated. This variant has not been reported in the literature in individuals affected with KIAA0586-related conditions.